The following is an entry in ClinVar:

NM_005138.3(SCO2):c.536G>A (p.Arg179His)

Genes: NCAPH2 (non-SMC condensin II complex subunit H2; plus strand), SCO2 (synthesis of cytochrome C oxidase 2; minus strand). Cytogenetic location: 22q13.33.
Variant type: single nucleotide variant.
Coding change: c.536G>A on transcript NM_005138.3 (MANE Select); coding-DNA position 536, G replaced by A.
Protein change: p.Arg179His; replaces arginine 179 with histidine.
Molecular consequence: missense variant. On other transcripts: 3 prime UTR variant (2).
Genome position (GRCh38, 1-based): chr22:50,523,876, C>T on the plus strand (G>A on the coding strand, the complement: SCO2 is on the minus strand). VCF-style: chr22-50523876-C-T. GRCh37 (hg19) VCF-style: chr22-50962305-C-T.
Other names: c.*501C>T (NM_001185011.2, NM_152299.4); c.536G>A, p.Arg179His (NM_001169109.2, NM_001169110.1, NM_001169111.2); short protein forms R179H.
Identifiers: ClinVar variation 1519431 (VCV001519431.6), dbSNP rs149750715, ClinGen allele CA10321178.
Genomic context (GRCh38, chr22:50,523,876, plus strand): 5'-GCAACCTGTTTGGTGGAGCCGGTCAGACCCAACAGTCTTGGGTGGAAGTCCTGGACGTAG[C>T]GGGCCATGGCTTCAACGTCGTCCCGCTCGGGGTCCACAGTGATGAAGACAGGCTGCACTG-3'
Protein context (NP_005129.2, residues 169-189): PERDDVEAMA[Arg179His]YVQDFHPRLL

ClinVar aggregate classification (germline): Uncertain significance (1 of 4 stars; one submission).

Allele frequency attached by ClinVar (database versions not stated): gnomAD exomes 0.00006 and 0.00008; ExAC 0.00008; gnomAD 0.00018 and 0.00020; ESP Exome Variant Server 0.00023.
gnomAD v4.1: 149 of 1,613,808 alleles (0.0092%); highest among the groups gnomAD compares: African/African-American, 0.043%; no homozygotes.

Submission:

Labcorp Genetics (formerly Invitae), Labcorp
Classification: Uncertain significance. Last evaluated: 2024-10-21. Review status: criteria provided, single submitter. Criteria: Invitae Variant Classification Sherloc (09022015). Collection method: clinical testing. Allele origin: germline.
Comment: This sequence change replaces arginine, which is basic and polar, with histidine, which is basic and polar, at codon 179 of the SCO2 protein (p.Arg179His). This variant is present in population databases (rs149750715, gnomAD 0.05%). This variant has not been reported in the literature in individuals affected with SCO2-related conditions. ClinVar contains an entry for this variant (Variation ID: 1519431). Invitae Evidence Modeling of protein sequence and biophysical properties (such as structural, functional, and spatial information, amino acid conservation, physicochemical variation, residue mobility, and thermodynamic stability) indicates that this missense variant is not expected to disrupt SCO2 protein function with a negative predictive value of 80%. In summary, the available evidence is currently insufficient to determine the role of this variant in disease. Therefore, it has been classified as a Variant of Uncertain Significance.